The following is an entry in ClinVar:

NM_004744.5(LRAT):c.181T>A (p.Tyr61Asn)

Gene: LRAT (lecithin retinol acyltransferase; plus strand). Cytogenetic location: 4q32.1.
Variant type: single nucleotide variant.
Coding change: c.181T>A on transcript NM_004744.5 (MANE Select); coding-DNA position 181, T replaced by A.
Protein change: p.Tyr61Asn; replaces tyrosine 61 with asparagine.
Molecular consequence: missense variant.
Genome position (GRCh38, 1-based): chr4:154,744,507, T>A. VCF-style: chr4-154744507-T-A. GRCh37 (hg19) VCF-style: chr4-155665659-T-A.
Other names: c.181T>A, p.Tyr61Asn (NM_001301645.2); short protein forms Y61N.
Identifiers: ClinVar variation 2203579 (VCV002203579.1), dbSNP rs775049675, ClinGen allele CA3115830.

ClinVar aggregate classification (germline): Uncertain significance (1 of 4 stars; one submission).

Allele frequency attached by ClinVar (database versions not stated): gnomAD 0.00001; TOPMed 0.00001; gnomAD exomes 0.00002; ExAC 0.00004.
gnomAD v4.1: 26 of 1,613,900 alleles (0.0016%); highest among the groups gnomAD compares: Non-Finnish European, 0.0021%; no homozygotes.

Submission:

Labcorp Genetics (formerly Invitae), Labcorp
Classification: Uncertain significance. Last evaluated: 2022-03-21. Review status: criteria provided, single submitter. Criteria: Invitae Variant Classification Sherloc (09022015). Collection method: clinical testing. Allele origin: germline.
Comment: This sequence change replaces tyrosine, which is neutral and polar, with asparagine, which is neutral and polar, at codon 61 of the LRAT protein (p.Tyr61Asn). This variant is present in population databases (rs775049675, gnomAD 0.004%). This missense change has been observed in individual(s) with LRAT-related conditions (PMID: 22570351). Algorithms developed to predict the effect of missense changes on protein structure and function are either unavailable or do not agree on the potential impact of this missense change (SIFT: "Deleterious"; PolyPhen-2: "Possibly Damaging"; Align-GVGD: "Class C0"). In summary, the available evidence is currently insufficient to determine the role of this variant in disease. Therefore, it has been classified as a Variant of Uncertain Significance.

Literature cited by the submitters: PubMed 22570351.